The following is an entry in ClinVar:

ClinVar aggregate classification (germline): Uncertain significance. Review status: criteria provided, multiple submitters, no conflicts (2 of 4 stars). 2 submissions from 2 submitters: Uncertain significance (2). Last evaluated 2026-01-06.

Conditions:
Hereditary cancer-predisposing syndrome. Also called: Tumor predisposition; Hereditary Cancer Syndrome; Neoplastic Syndromes, Hereditary; Hereditary neoplastic syndrome. Identifiers: Orphanet 140162, MedGen C0027672, MeSH D009386, MONDO:0015356.

Allele frequency attached by ClinVar (database versions not stated): gnomAD 0.00001; TOPMed 0.00001.
gnomAD v4.1: 2 of 1,614,056 alleles (0.00012%); highest among the groups gnomAD compares: Non-Finnish European, 0.00017%; no homozygotes.

Submissions (2):

Labcorp Genetics (formerly Invitae), Labcorp
Classification: Uncertain significance. Last evaluated: 2026-01-06. Review status: criteria provided, single submitter. Criteria: Invitae Variant Classification Sherloc (09022015). Collection method: clinical testing. Allele origin: germline.
Comment: This sequence change replaces glutamine, which is neutral and polar, with proline, which is neutral and non-polar, at codon 908 of the MSH3 protein (p.Gln908Pro). This variant is not present in population databases (gnomAD no frequency). This variant has not been reported in the literature in individuals affected with MSH3-related conditions. ClinVar contains an entry for this variant (Variation ID: 821716). An algorithm developed to predict the effect of missense changes on protein structure and function (PolyPhen-2) suggests that this variant is likely to be disruptive. In summary, the available evidence is currently insufficient to determine the role of this variant in disease. Therefore, it has been classified as a Variant of Uncertain Significance.

Ambry Genetics
Classification: Uncertain significance for Hereditary cancer-predisposing syndrome. Last evaluated: 2024-02-27. Review status: criteria provided, single submitter. Criteria: Ambry Variant Classification Scheme 2023. Collection method: clinical testing. Allele origin: germline.
Comment: The p.Q908P variant (also known as c.2723A>C), located in coding exon 20 of the MSH3 gene, results from an A to C substitution at nucleotide position 2723. The glutamine at codon 908 is replaced by proline, an amino acid with similar properties. This amino acid position is highly conserved in available vertebrate species. In addition, this alteration is predicted to be deleterious by in silico analysis. Since supporting evidence is limited at this time, the clinical significance of this alteration remains unclear.

NM_002439.5(MSH3):c.2723A>C (p.Gln908Pro)

Gene: MSH3 (mutS homolog 3; plus strand). Cytogenetic location: 5q14.1.
Variant type: single nucleotide variant.
Coding change: c.2723A>C on transcript NM_002439.5 (MANE Select); coding-DNA position 2723, A replaced by C.
Protein change: p.Gln908Pro; replaces glutamine 908 with proline.
Molecular consequence: missense variant.
Genome position (GRCh38, 1-based): chr5:80,813,651, A>C. VCF-style: chr5-80813651-A-C. GRCh37 (hg19) VCF-style: chr5-80109470-A-C.
Other names: short protein forms Q908P.
Identifiers: ClinVar variation 821716 (VCV000821716.10), dbSNP rs778661757, ClinGen allele CA121307410.
Genomic context (GRCh38, chr5:80,813,651, plus strand): 5'-CAGAGAGAGTAATGATAATTACCGGACCAAACATGGGTGGAAAGAGCTCCTACATAAAAC[A>C]AGTTGCATTGATTACCATCATGGCTCAGATTGGCTCCTATGTTCCTGCAGAAGAAGCGAC-3'
Protein context (NP_002430.3, residues 898-918): NMGGKSSYIK[Gln908Pro]VALITIMAQI